The following is an entry in ClinVar:

ClinVar aggregate classification (germline): Uncertain significance. Review status: criteria provided, multiple submitters, no conflicts (2 of 4 stars). 2 submissions from 2 submitters: Uncertain significance (2). Last evaluated 2025-08-28.

Conditions:
Neurodevelopmental disorder with or without variable brain abnormalities; NEDBA. Also called: NEURODEVELOPMENTAL DISORDER WITH OR WITHOUT VARIABLE BRAIN ABNORMALITIES. Identifiers: MedGen C5193102, MONDO:0032755, OMIM 618443.
Inborn genetic diseases. Identifiers: MedGen C0950123, MeSH D030342.

gnomAD v4.1: 10 of 1,612,814 alleles (0.00062%); highest among the groups gnomAD compares: Admixed American, 0.0017%; no homozygotes.

Submissions (2):

Ambry Genetics
Classification: Uncertain significance for Inborn genetic diseases. Last evaluated: 2025-08-28. Review status: criteria provided, single submitter. Criteria: Ambry Variant Classification Scheme 2023. Collection method: clinical testing. Allele origin: germline.

Juno Genomics, Hangzhou Juno Genomics, Inc
Classification: Uncertain significance for Neurodevelopmental disorder with or without variable brain abnormalities; NEDBA. Review status: criteria provided, single submitter. Criteria: ACMG Guidelines, 2015. Collection method: clinical testing. Allele origin: germline. Affected: yes.
Comment: Absent from controls (or at extremely low frequency if recessive) in Genome Aggregation Database, Exome Sequencing Project, 1000 Genomes Project, or Exome Aggregation Consortium.;Missense variant in a gene that has a low rate of benign missense variation and where missense variants are a common mechanism of disease.;Patient's phenotype or family history is highly specific for a disease with a single genetic etiology.

NM_001318852.2(MAPK8IP3):c.3356C>T (p.Thr1119Met)

Gene: MAPK8IP3 (mitogen-activated protein kinase 8 interacting protein 3; plus strand). Cytogenetic location: 16p13.3.
Variant type: single nucleotide variant.
Coding change: c.3356C>T on transcript NM_001318852.2 (MANE Select); coding-DNA position 3356, C replaced by T.
Protein change: p.Thr1119Met; replaces threonine 1119 with methionine.
Molecular consequence: missense variant.
Genome position (GRCh38, 1-based): chr16:1,767,682, C>T. VCF-style: chr16-1767682-C-T. GRCh37 (hg19) VCF-style: chr16-1817683-C-T.
Other names: c.3335C>T, p.Thr1112Met (NM_001040439.2); c.3353C>T, p.Thr1118Met (NM_015133.5); c.3353C>T (NM_015133.3); short protein forms T1112M, T1118M, T1119M.
Identifiers: ClinVar variation 3906965 (VCV003906965.2).